The following is an entry in ClinVar:

NM_000543.5(SMPD1):c.1498T>C (p.Tyr500His)

Gene: SMPD1 (sphingomyelin phosphodiesterase 1; plus strand). Cytogenetic location: 11p15.4.
Variant type: single nucleotide variant.
Coding change: c.1498T>C on transcript NM_000543.5 (MANE Select); coding-DNA position 1498, T replaced by C.
Protein change: p.Tyr500His; replaces tyrosine 500 with histidine.
Molecular consequence: missense variant. On other transcripts: synonymous variant (1), non-coding transcript variant (2).
Genome position (GRCh38, 1-based): chr11:6,394,209, T>C. VCF-style: chr11-6394209-T-C. GRCh37 (hg19) VCF-style: chr11-6415439-T-C.
Other names: c.1495T>C, p.Tyr499His (NM_001007593.3); c.1518T>C, p.Cys506= (NM_001318087.2); c.577T>C, p.Tyr193His (NM_001318088.2); c.1366T>C, p.Tyr456His (NM_001365135.2); short protein forms Y500H, Y193H, Y456H, Y499H.
Identifiers: ClinVar variation 557879 (VCV000557879.16), dbSNP rs771336819, ClinGen allele CA5852922.
Genomic context (GRCh38, chr11:6,394,209, plus strand): 5'-GGAGTTACCCTTGCTCCTTGCCCCTCCAGTCAGCCCCACATCCTTGCAGGTTACCGTGTG[T>C]ACCAAATAGATGGAAACTACTCCGGGAGCTCTCACGTGGTCCTGGACCATGAGACCTACA-3'
Protein context (NP_000534.3, residues 490-510): YIGLNPGYRV[Tyr500His]QIDGNYSGSS

ClinVar aggregate classification (germline): Pathogenic/Likely pathogenic. Review status: criteria provided, multiple submitters, no conflicts (2 of 4 stars). 6 submissions from 6 submitters: Pathogenic (1); Likely pathogenic (3). 2 of the submissions do not count toward it. Last evaluated 2024-10-28.

Conditions:
SMPD1-related disorder. Also called: SMPD1-related condition.
Niemann-Pick disease, type A. Also called: SPHINGOMYELIN LIPIDOSIS; SPHINGOMYELINASE DEFICIENCY; Infantile Neurovisceral ASMD (Niemann-Pick Disease Type A; NPD-A). Identifiers: Orphanet 77292, MedGen C0268242, MONDO:0009756, OMIM 257200. Disease mechanism: loss of function.
Niemann-Pick disease, type B. Also called: Chronic Visceral ASMD (Niemann-Pick Disease Type B; NPD-B). Identifiers: Orphanet 77293, MedGen C0268243, MONDO:0011871, OMIM 607616. Disease mechanism: loss of function.

Allele frequency attached by ClinVar (database versions not stated): ExAC 0.00001; gnomAD exomes 0.00001 and below 0.00001; TOPMed 0.00002; gnomAD 0.00003.
gnomAD v4.1: 9 of 1,614,044 alleles (0.00056%); highest among the groups gnomAD compares: East Asian, 0.018%; no homozygotes.

Submissions (6):

Natera, Inc.
Classification: Likely pathogenic for Niemann-Pick Disease, Types A/B. Last evaluated: 2024-10-28. Review status: criteria provided, single submitter. Criteria: Natera Variant Classification Schema (03/2026). Collection method: clinical testing. Allele origin: germline.
Comment: The c.1498T>C variant in SMPD1 is a missense variant predicted to cause substitution of tyrosine to histidine at amino acid 500. This variant is rare in the general population with a frequency below the threshold expected for the associated phenotype(s). This variant has been observed in one or more individuals affected with the associated recessive disease, as either homozygous or compound heterozygous with a second variant (PMID: 33675270). Another variant at this same site results in an alteration predicted to cause a similar molecular effect has been observed in individual(s) with the associated phenotype. Computational prediction algorithms indicate this variant is likely to affect gene or protein function. Given the available evidence, this variant is classified as Likely Pathogenic.

Baylor Genetics
Classification: Likely pathogenic for Niemann-Pick disease, type A. Last evaluated: 2024-02-19. Review status: criteria provided, single submitter. Criteria: ACMG Guidelines, 2015. Collection method: clinical testing. Allele origin: unknown.

Labcorp Genetics (formerly Invitae), Labcorp
Classification: Pathogenic for Niemann-Pick disease, type B; Niemann-Pick disease, type A. Last evaluated: 2023-05-20. Review status: criteria provided, single submitter. Criteria: Invitae Variant Classification Sherloc (09022015). Collection method: clinical testing. Allele origin: germline.
Comment: This missense change has been observed in individual(s) with Niemann-Pick disease (PMID: 23356216, 33675270). ClinVar contains an entry for this variant (Variation ID: 557879). Advanced modeling of protein sequence and biophysical properties (such as structural, functional, and spatial information, amino acid conservation, physicochemical variation, residue mobility, and thermodynamic stability) performed at Invitae indicates that this missense variant is expected to disrupt SMPD1 protein function. This variant disrupts the p.Tyr500 amino acid residue in SMPD1. Other variant(s) that disrupt this residue have been observed in individuals with SMPD1-related conditions (PMID: 26851525), which suggests that this may be a clinically significant amino acid residue. For these reasons, this variant has been classified as Pathogenic. This variant is present in population databases (rs771336819, gnomAD 0.03%). This sequence change replaces tyrosine, which is neutral and polar, with histidine, which is basic and polar, at codon 500 of the SMPD1 protein (p.Tyr500His).

Juno Genomics, Hangzhou Juno Genomics, Inc
Classification: Likely pathogenic for Niemann-Pick disease, type A; Niemann-Pick disease, type B. Review status: criteria provided, single submitter. Criteria: ACMG Guidelines, 2015. Collection method: clinical testing. Allele origin: germline.
Comment: Absent from controls (or at extremely low frequency if recessive) in Genome Aggregation Database.;For recessive disorders, detected in trans with a pathogenic variant.;Well-established in vitro or in vivo functional studies supportive of a damaging effect on the gene or gene product.

PreventionGenetics, part of Exact Sciences
Classification: Pathogenic for SMPD1-related condition. Last evaluated: 2024-03-08. Review status: no assertion criteria provided. Collection method: clinical testing. Allele origin: germline. Not counted in ClinVar's aggregate classification.
Comment: The SMPD1 c.1498T>C variant is predicted to result in the amino acid substitution p.Tyr500His. This variant has been reported in the homozygous and compound heterozygous states in multiple individuals with Niemann-Pick disease (Table 1, Zhang et al. 2013. PubMed ID: 23356216; Table 3, Hu et al. 2021. PubMed ID: 33675270). At least one patient, who was homozygous for the variant, had reduced ASM activity levels (Hu et al. 2021. PubMed ID: 33675270). Of note, a different variant that affects the same amino acid residue (c.1498T>A, p.Tyr500Asn) has also been reported to be causative for Niemann-Pick disease (described as c.1495T>A in Ding et al. 2016. PubMed ID: 26851525). This variant is reported in 0.025% of alleles in individuals of East Asian descent in gnomAD. We interpret this variant as pathogenic.

Counsyl
Classification: Uncertain significance for Niemann-Pick disease, type A. Last evaluated: 2018-05-23. Review status: no assertion criteria provided. Collection method: clinical testing. Allele origin: unknown. Not counted in ClinVar's aggregate classification.

Literature cited by the submitters: PubMed 33675270 (cited by Natera, Inc. and Labcorp Genetics (formerly Invitae), Labcorp); PubMed 23356216 (cited by Labcorp Genetics (formerly Invitae), Labcorp); PubMed 26851525 (cited by Labcorp Genetics (formerly Invitae), Labcorp).